The following is an entry in ClinVar:

ClinVar aggregate classification (germline): Pathogenic/Likely pathogenic. Review status: criteria provided, multiple submitters, no conflicts (2 of 4 stars). 2 submissions from 2 submitters: Pathogenic (1); Likely pathogenic (1). Last evaluated 2025-02-07.

Conditions:
Hereditary leiomyomatosis and renal cell cancer. Also called: LEIOMYOMA, MULTIPLE CUTANEOUS; Reed syndrome; Multiple cutaneous and uterine leiomyomatosis; Cutaneous leiomyomata with uterine leiomyomata; Leiomyoma, hereditary multiple, of skin; Multiple cutaneous and uterine leiomyomata. Identifiers: Orphanet 523, MedGen C1708350, MONDO:0007888, OMIM 150800, HP:0007437. Disease mechanism: loss of function.

Submissions (2):

Myriad Genetics, Inc.
Classification: Likely pathogenic for Hereditary leiomyomatosis and renal cell cancer. Last evaluated: 2025-02-07. Review status: criteria provided, single submitter. Criteria: Myriad Autosomal Dominant, Autosomal Recessive and X-Linked Classification Criteria (2023). Collection method: clinical testing. Allele origin: unknown.
Comment: This variant is considered likely pathogenic. This variant has been reported in multiple individuals with clinical features of gene-specific disease [PMID 31831373, 34994643, 30050099, 36773955, Myriad internal data]. This variant is expected to disrupt protein structure [Myriad internal data].

Labcorp Genetics (formerly Invitae), Labcorp
Classification: Pathogenic. Last evaluated: 2024-09-16. Review status: criteria provided, single submitter. Criteria: Invitae Variant Classification Sherloc (09022015). Collection method: clinical testing. Allele origin: germline.
Comment: This sequence change replaces threonine, which is neutral and polar, with isoleucine, which is neutral and non-polar, at codon 234 of the FH protein (p.Thr234Ile). This variant is not present in population databases (gnomAD no frequency). This missense change has been observed in individual(s) with clinical features of hereditary leiomyomatosis and renal cell carcinoma (PMID: 31831373; internal data). It has also been observed to segregate with disease in related individuals. ClinVar contains an entry for this variant (Variation ID: 237117). Invitae Evidence Modeling of protein sequence and biophysical properties (such as structural, functional, and spatial information, amino acid conservation, physicochemical variation, residue mobility, and thermodynamic stability) indicates that this missense variant is expected to disrupt FH protein function with a positive predictive value of 95%. This variant disrupts the p.Thr234 amino acid residue in FH. Other variant(s) that disrupt this residue have been determined to be pathogenic (PMID: 30050099; internal data). This suggests that this residue is clinically significant, and that variants that disrupt this residue are likely to be disease-causing. For these reasons, this variant has been classified as Pathogenic.

Literature cited by the submitters: PubMed 31831373 (cited by Myriad Genetics, Inc. and Labcorp Genetics (formerly Invitae), Labcorp); PubMed 34994643 (cited by Myriad Genetics, Inc.); PubMed 30050099 (cited by Myriad Genetics, Inc. and Labcorp Genetics (formerly Invitae), Labcorp); PubMed 36773955 (cited by Myriad Genetics, Inc.).

NM_000143.4(FH):c.701C>T (p.Thr234Ile)

Gene: FH (fumarate hydratase; minus strand). Cytogenetic location: 1q43.
Variant type: single nucleotide variant.
Coding change: c.701C>T on transcript NM_000143.4 (MANE Select); coding-DNA position 701, C replaced by T.
Protein change: p.Thr234Ile; replaces threonine 234 with isoleucine.
Molecular consequence: missense variant.
Genome position (GRCh38, 1-based): chr1:241,508,640, G>A on the plus strand (C>T on the coding strand, the complement: FH is on the minus strand). VCF-style: chr1-241508640-G-A. GRCh37 (hg19) VCF-style: chr1-241671940-G-A.
Other names: short protein forms T234I.
Identifiers: ClinVar variation 237117 (VCV000237117.10), dbSNP rs878853695, ClinGen allele CA10581783.
Genomic context (GRCh38, chr1:241,508,640, plus strand): 5'-TCAAATTAGTCAAACTCCTATACCTGCCCAAGAGTAAGTGGAACAGCATCCTGAGTATGA[G>A]TACGTCCAATCTTGATGATCTGTGCAAACTCTTTGGATTTTGCATCAAGAGCATCATGTA-3'
Protein context (NP_000134.2, residues 224-244): EFAQIIKIGR[Thr234Ile]HTQDAVPLTL